The following is an entry in ClinVar:

ClinVar aggregate classification (germline): Uncertain significance (1 of 4 stars; one submission).

Conditions:
Multiple endocrine neoplasia, type 2 (MEN2). Identifiers: Orphanet 653, MedGen C4048306, MONDO:0019003. Disease mechanism: gain of function.

Submission:

Labcorp Genetics (formerly Invitae), Labcorp
Classification: Uncertain significance for Multiple endocrine neoplasia, type 2. Last evaluated: 2023-09-05. Review status: criteria provided, single submitter. Criteria: Invitae Variant Classification Sherloc (09022015). Collection method: clinical testing. Allele origin: germline.
Comment: This variant results in a copy number gain of the genomic region encompassing exon(s) 2-20 of the RET gene. This region includes the termination codon of the gene. This copy number gain extends beyond the assayed region for this gene and therefore may encompass additional genes. As the precise location of this event is unknown, it may be in tandem or it may be located elsewhere in the genome. This variant has not been reported in the literature in individuals affected with RET-related conditions. Experimental studies and prediction algorithms are not available or were not evaluated, and the functional significance of this variant is currently unknown. In summary, the available evidence is currently insufficient to determine the role of this variant in disease. Therefore, it has been classified as a Variant of Uncertain Significance.

NC_000010.10:g.(?_43595897)_(43623725_?)dup

Gene: RET (ret proto-oncogene; plus strand). Cytogenetic location: 10q11.21.
Variant type: Duplication.
Identifiers: ClinVar variation 1442472 (VCV001442472.4).